The following is an entry in ClinVar:

ClinVar aggregate classification (germline): Uncertain significance (1 of 4 stars; one submission).

Submission:

GeneDx
Classification: Uncertain significance. Last evaluated: 2025-07-16. Review status: criteria provided, single submitter. Criteria: GeneDx Variant Classification Process June 2021. Collection method: clinical testing. Allele origin: germline. Affected: yes.
Comment: Not observed at significant frequency in large population cohorts (gnomAD); In silico analysis supports that this missense variant has a deleterious effect on protein structure/function; Has not been previously published as pathogenic or benign to our knowledge

NM_005859.5(PURA):c.742G>A (p.Glu248Lys)

Gene: PURA (purine rich element binding protein A; plus strand). Cytogenetic location: 5q31.3.
Variant type: single nucleotide variant.
Coding change: c.742G>A on transcript NM_005859.5 (MANE Select); coding-DNA position 742, G replaced by A.
Protein change: p.Glu248Lys; replaces glutamic acid 248 with lysine.
Molecular consequence: missense variant.
Genome position (GRCh38, 1-based): chr5:140,114,923, G>A. VCF-style: chr5-140114923-G-A. GRCh37 (hg19) VCF-style: chr5-139494508-G-A.
Other names: short protein forms E248K.
Identifiers: ClinVar variation 4686152 (VCV004686152.1).